The following is an entry in ClinVar:

ClinVar aggregate classification (germline): Conflicting classifications of pathogenicity. Review status: criteria provided, conflicting classifications (1 of 4 stars). 3 submissions from 3 submitters: Likely pathogenic (1); Uncertain significance (1). 1 of the submissions does not count toward it. Last evaluated 2025-05-13.

Conditions:
Hypomagnesemia, seizures, and impaired intellectual development 1. Also called: Hypomagnesemia, seizures, and intellectual disability 1. Identifiers: Orphanet 34527, MedGen C4225333, MONDO:0020787, OMIM 616418.

Allele frequency attached by ClinVar (database versions not stated): gnomAD 0.00001; TOPMed below 0.00001.

Submissions (3):

Department of Biochemistry, All India Institute of Medical Sciences, Kalyani
Classification: Uncertain significance for Hypomagnesemia, seizures, and impaired intellectual development 1. Last evaluated: 2025-05-13. Review status: criteria provided, single submitter. Criteria: ACMG Guidelines, 2015. Collection method: clinical testing. Allele origin: germline. Affected: yes.
Comment: The NM_017649.5:c.2384C>T, is a missense variant in the exon 7 of CNNM2 gene which is predicted to result in change in amino acid Serine to Leucine in position 795 in the polypeptide chain. This amino acid change does not lead to a deleterious effect on the protein as per computational prediction tools (aggregate score Revel - 0.543) (PMID: 36413997). ATP6VIA gene has a low rate of benign missense variant with 18 pathogenic missense variant and 8 benign missense variant. GnomAD constraint of missense upper Z-score for gene is greater than 3.09 & gene score is 4.4105 (PP2 – Pathogenic Supporting). Physical examination revealed dysmorphic features including microcephaly, brachycephaly, depressed nasal bridge, and protruding tongue. Central nervous system examination indicated generalized hypotonia. MRI brain imaging showed mild diffuse cerebral atrophy. This variant has not been previously published in literature. This variant has an allele frequency of 0.000001911 in gnomAD v4.1.0 and absent in South Asians (PM2 – Pathogenic Moderate). In summary, this variant meets criteria to be classified as variant of uncertain significance based on the ACMG/AMP criteria applied, as specified by PP2 & PM2 criteria.

GeneDx
Classification: Likely pathogenic. Last evaluated: 2025-03-20. Review status: criteria provided, single submitter. Criteria: GeneDx Variant Classification Process June 2021. Collection method: clinical testing. Allele origin: germline.
Comment: Published functional studies suggest a damaging effect on function and trafficking of the CNNM2 protein (PMID: 33600043); Not observed at significant frequency in large population cohorts (gnomAD); In silico analysis supports that this missense variant has a deleterious effect on protein structure/function; This variant is associated with the following publications: (PMID: 33600043)

Physiology, Radboud University Medical Center
Classification: Pathogenic for Hypomagnesemia, seizures, and impaired intellectual development 1. Last evaluated: 2021-01-22. Review status: no assertion criteria provided. Collection method: research. Allele origin: de novo. Affected: yes. Not counted in ClinVar's aggregate classification.

NM_017649.5(CNNM2):c.2384C>T (p.Ser795Leu)

Gene: CNNM2 (cyclin and CBS domain divalent metal cation transport mediator 2; plus strand). Cytogenetic location: 10q24.32.
Variant type: single nucleotide variant.
Coding change: c.2384C>T on transcript NM_017649.5 (MANE Select); coding-DNA position 2384, C replaced by T.
Protein change: p.Ser795Leu; replaces serine 795 with leucine.
Molecular consequence: missense variant.
Genome position (GRCh38, 1-based): chr10:103,076,236, C>T. VCF-style: chr10-103076236-C-T. GRCh37 (hg19) VCF-style: chr10-104835993-C-T.
Other names: chr10-103076236 C>T; p.Ser795Leu; c.2318C>T, p.Ser773Leu (NM_199076.3); short protein forms S773L, S795L.
Identifiers: ClinVar variation 996054 (VCV000996054.4), dbSNP rs1564873187, ClinGen allele CA377964252.